The following is an entry in ClinVar:

ClinVar aggregate classification (germline): Likely benign. Review status: criteria provided, single submitter (1 of 4 stars). 2 submissions from 2 submitters: Likely benign (1). 1 of the submissions does not count toward it. Last evaluated 2023-07-28.

Conditions:
PEX7-related disorder. Also called: PEX7-related condition; PEX7-related disorders. Identifiers: MedGen CN239409.
Peroxisome biogenesis disorder 9B. Also called: PEX7-Related Refsum Disease; PEROXISOME BIOGENESIS DISORDER, PEX7-RELATED, ATYPICAL; Refsum disease, adult, 2. Identifiers: Orphanet 773, MedGen C2749346, MONDO:0013945, OMIM 614879.

Allele frequency attached by ClinVar (database versions not stated): gnomAD 0.00001; TOPMed 0.00002.
gnomAD v4.1: 1 of 1,610,294 alleles (0.000062%); highest among the groups gnomAD compares: Admixed American, 0.0017%; no homozygotes.

Submissions (2):

Labcorp Genetics (formerly Invitae), Labcorp
Classification: Likely benign for Peroxisome biogenesis disorder 9B. Last evaluated: 2023-07-28. Review status: criteria provided, single submitter. Criteria: Invitae Variant Classification Sherloc (09022015). Collection method: clinical testing. Allele origin: germline.

PreventionGenetics, part of Exact Sciences
Classification: Likely benign for PEX7-related condition. Last evaluated: 2021-04-27. Review status: no assertion criteria provided. Collection method: clinical testing. Allele origin: germline. Not counted in ClinVar's aggregate classification.
Comment: This variant is classified as likely benign based on ACMG/AMP sequence variant interpretation guidelines (Richards et al. 2015 PMID: 25741868, with internal and published modifications).

NM_000288.4(PEX7):c.798T>C (p.Thr266=)

Gene: PEX7 (peroxisomal biogenesis factor 7; plus strand). Cytogenetic location: 6q23.3.
Variant type: single nucleotide variant.
Coding change: c.798T>C on transcript NM_000288.4 (MANE Select); coding-DNA position 798, T replaced by C.
Protein change: p.Thr266=; no amino-acid change (threonine 266 retained).
Molecular consequence: synonymous variant.
Genome position (GRCh38, 1-based): chr6:136,872,248, T>C. VCF-style: chr6-136872248-T-C. GRCh37 (hg19) VCF-style: chr6-137193386-T-C.
Other names: c.798T>C (NM_000288.3).
Identifiers: ClinVar variation 1646038 (VCV001646038.10), dbSNP rs1173582316, ClinGen allele CA452228803.
Genomic context (GRCh38, chr6:136,872,248, plus strand): 5'-TTTTTTGTAGTTTTCACCATTTCATGCTTCTGTGCTGGCCTCTTGCTCGTATGATTTTAC[T>C]GTAAGGTACAGTGGTTTTTAATACATTTCATTGTGAAATACCAGGTAACATTTGCATCTT-3'
Protein context (NP_000279.1, residues 256-276): SVLASCSYDF[Thr266=]VRFWNFSKPD